The following is an entry in ClinVar:

ClinVar aggregate classification (germline): Conflicting classifications of pathogenicity. Review status: criteria provided, conflicting classifications (1 of 4 stars). 4 submissions from 4 submitters: Uncertain significance (3); Likely benign (1). Last evaluated 2025-12-08.

Conditions:
Cardiomyopathy (CMYO). Also called: Cardiomyopathies. Identifiers: Orphanet 167848, MedGen C0878544, MONDO:0004994, HP:0001638. Inheritance: Various modes of inheritance.
Cardiovascular phenotype. Identifiers: MedGen CN230736.
Arrhythmogenic right ventricular cardiomyopathy (ARVD). Also called: Cardiomyopathy, ARVC; Arrhythmogenic right ventricular dysplasia; Arrhythmogenic cardiomyopathy; Arrhythmogenic Right Ventricular Cardiomyopathy (ARVC). Identifiers: Orphanet 247, MedGen C0349788, MeSH D019571, MONDO:0016587. Disease mechanism: loss of function. Inheritance: Various modes of inheritance.
Arrhythmogenic right ventricular dysplasia 9 (ARVD9). Also called: Arrhythmogenic Right Ventricular Dysplasia/Cardiomyopathy 9; ARRHYTHMOGENIC RIGHT VENTRICULAR DYSPLASIA, FAMILIAL, 9. Identifiers: MedGen C1836906, MONDO:0012180, OMIM 609040.

Allele frequency attached by ClinVar (database versions not stated): ExAC 0.00001; TOPMed 0.00002; gnomAD 0.00003 and 0.00004.
gnomAD v4.1: 13 of 1,614,030 alleles (0.00081%); highest among the groups gnomAD compares: Middle Eastern, 0.016%; no homozygotes.

Submissions (4):

Labcorp Genetics (formerly Invitae), Labcorp
Classification: Uncertain significance for Arrhythmogenic right ventricular dysplasia 9. Last evaluated: 2025-12-08. Review status: criteria provided, single submitter. Criteria: Invitae Variant Classification Sherloc (09022015). Collection method: clinical testing. Allele origin: germline.
Comment: This sequence change replaces alanine, which is neutral and non-polar, with valine, which is neutral and non-polar, at codon 317 of the PKP2 protein (p.Ala317Val). This variant is present in population databases (rs775318947, gnomAD 0.01%). This variant has not been reported in the literature in individuals affected with PKP2-related conditions. ClinVar contains an entry for this variant (Variation ID: 1003869). An algorithm developed to predict the effect of missense changes on protein structure and function (PolyPhen-2) suggests that this variant is likely to be tolerated. In summary, the available evidence is currently insufficient to determine the role of this variant in disease. Therefore, it has been classified as a Variant of Uncertain Significance.

Ambry Genetics
Classification: Likely benign for Cardiovascular phenotype. Last evaluated: 2024-06-21. Review status: criteria provided, single submitter. Criteria: Ambry Variant Classification Scheme 2023. Collection method: clinical testing. Allele origin: germline.

All of Us Research Program, National Institutes of Health
Classification: Uncertain significance for Arrhythmogenic right ventricular cardiomyopathy. Last evaluated: 2023-12-13. Review status: criteria provided, single submitter. Criteria: ACMG Guidelines, 2015. Collection method: clinical testing. Allele origin: germline. Inheritance: Autosomal dominant inheritance. Observed: 1 variant allele, 1 heterozygote.
Comment: This missense variant replaces alanine with valine at codon 317 of the PKP2 protein. Computational prediction suggests that this variant may not impact protein structure and function (internally defined REVEL score threshold <= 0.5, PMID: 27666373). To our knowledge, functional studies have not been reported for this variant. This variant has not been reported in individuals affected with cardiovascular disorders in the literature. This variant has been identified in 3/250888 chromosomes in the general population by the Genome Aggregation Database (gnomAD). The available evidence is insufficient to determine the role of this variant in disease conclusively. Therefore, this variant is classified as a Variant of Uncertain Significance.

This study involves interpretation of variants in research participants for the purpose of population health screening. Participant phenotype was not available at the time of variant classification. Additional details can be found in publication PMID: 35346344, PMCID: PMC8962531

Color Diagnostics, LLC DBA Color Health
Classification: Uncertain significance for Cardiomyopathy. Last evaluated: 2023-11-06. Review status: criteria provided, single submitter. Criteria: ACMG Guidelines, 2015. Collection method: clinical testing. Allele origin: germline.
Comment: This missense variant replaces alanine with valine at codon 317 of the PKP2 protein. Computational prediction suggests that this variant may not impact protein structure and function (internally defined REVEL score threshold <= 0.5, PMID: 27666373). To our knowledge, functional studies have not been reported for this variant. This variant has not been reported in individuals affected with cardiovascular disorders in the literature. This variant has been identified in 3/250888 chromosomes in the general population by the Genome Aggregation Database (gnomAD). The available evidence is insufficient to determine the role of this variant in disease conclusively. Therefore, this variant is classified as a Variant of Uncertain Significance.

NM_001005242.3(PKP2):c.950C>T (p.Ala317Val)

Gene: PKP2 (plakophilin 2; minus strand). Cytogenetic location: 12p11.21.
Variant type: single nucleotide variant.
Coding change: c.950C>T on transcript NM_001005242.3 (MANE Select); coding-DNA position 950, C replaced by T.
Protein change: p.Ala317Val; replaces alanine 317 with valine.
Molecular consequence: missense variant.
Genome position (GRCh38, 1-based): chr12:32,877,930, G>A on the plus strand (C>T on the coding strand, the complement: PKP2 is on the minus strand). VCF-style: chr12-32877930-G-A. GRCh37 (hg19) VCF-style: chr12-33030864-G-A.
Other names: c.950C>T, p.Ala317Val (NM_004572.4); short protein forms A317V.
Identifiers: ClinVar variation 1003869 (VCV001003869.15), dbSNP rs775318947, ClinGen allele CA039551.
Genomic context (GRCh38, chr12:32,877,930, plus strand): 5'-CTTCTCTCAGTGAGCAGATTCCCACTTCCCCCTGCGGCCGCCTGGCCGACAGTCAAGTGC[G>A]CTCTCCTCCCGCTGGAATCCACGGCGACACTGGGCCCAGCTTCCCTCAGCGTGCGGGTGC-3'
Protein context (NP_001005242.2, residues 307-327): SVAVDSSGRR[Ala317Val]HLTVGQAAAG